The following is an entry in ClinVar:

ClinVar aggregate classification (germline): Likely benign. Review status: criteria provided, single submitter (1 of 4 stars). 2 submissions from 2 submitters: Likely benign (1). 1 of the submissions does not count toward it. Last evaluated 2025-10-23.

Conditions:
CIT-related disorder. Also called: CIT-related condition.

Allele frequency attached by ClinVar (database versions not stated): ExAC 0.00003; gnomAD exomes 0.00006; gnomAD 0.00007; TOPMed 0.00007.
gnomAD v4.1: 98 of 1,613,974 alleles (0.0061%); highest among the groups gnomAD compares: Middle Eastern, 0.082%; no homozygotes.

Submissions (2):

Labcorp Genetics (formerly Invitae), Labcorp
Classification: Likely benign. Last evaluated: 2025-10-23. Review status: criteria provided, single submitter. Criteria: Invitae Variant Classification Sherloc (09022015). Collection method: clinical testing. Allele origin: germline.

PreventionGenetics, part of Exact Sciences
Classification: Likely benign for CIT-related condition. Last evaluated: 2021-08-18. Review status: no assertion criteria provided. Collection method: clinical testing. Allele origin: germline. Not counted in ClinVar's aggregate classification.
Comment: This variant is classified as likely benign based on ACMG/AMP sequence variant interpretation guidelines (Richards et al. 2015 PMID: 25741868, with internal and published modifications).

NM_001206999.2(CIT):c.4272C>T (p.Thr1424=)

Gene: CIT (citron rho-interacting serine/threonine kinase; minus strand). Cytogenetic location: 12q24.23.
Variant type: single nucleotide variant.
Coding change: c.4272C>T on transcript NM_001206999.2 (MANE Select); coding-DNA position 4272, C replaced by T.
Protein change: p.Thr1424=; no amino-acid change (threonine 1424 retained).
Molecular consequence: synonymous variant.
Genome position (GRCh38, 1-based): chr12:119,714,231, G>A on the plus strand (C>T on the coding strand, the complement: CIT is on the minus strand). VCF-style: chr12-119714231-G-A. GRCh37 (hg19) VCF-style: chr12-120152036-G-A.
Other names: c.4272C>T (NM_001206999.1); c.4146C>T, p.Thr1382= (NM_007174.3).
Identifiers: ClinVar variation 2713440 (VCV002713440.5), dbSNP rs766786434, ClinGen allele CA6821278.